The following is an entry in ClinVar:

NM_080732.4(EGLN2):c.1198G>A (p.Val400Ile)

Genes: EGLN2 (egl-9 family hypoxia inducible factor 2; plus strand), RAB4B-EGLN2 (RAB4B-EGLN2 readthrough (NMD candidate); plus strand). Cytogenetic location: 19q13.2.
Variant type: single nucleotide variant.
Coding change: c.1198G>A on transcript NM_080732.4 (MANE Select); coding-DNA position 1198, G replaced by A.
Protein change: p.Val400Ile; replaces valine 400 with isoleucine.
Molecular consequence: missense variant. On other transcripts: non-coding transcript variant (1).
Genome position (GRCh38, 1-based): chr19:40,807,838, G>A. VCF-style: chr19-40807838-G-A. GRCh37 (hg19) VCF-style: chr19-41313743-G-A.
Other names: c.1198G>A, p.Val400Ile (NM_053046.4); short protein forms V400I.
Identifiers: ClinVar variation 3507278 (VCV003507278.1).

ClinVar aggregate classification (germline): Uncertain significance (1 of 4 stars; one submission).

gnomAD v4.1: 1 of 1,614,172 alleles (0.000062%); highest among the groups gnomAD compares: Admixed American, 0.0017%; no homozygotes.

Submission:

Ambry Genetics
Classification: Uncertain significance. Last evaluated: 2024-08-30. Review status: criteria provided, single submitter. Criteria: Ambry Variant Classification Scheme 2023. Collection method: clinical testing. Allele origin: germline.
Comment: The p.V400I variant (also known as c.1198G>A), located in coding exon 5 of the EGLN2 gene, results from a G to A substitution at nucleotide position 1198. The valine at codon 400 is replaced by isoleucine, an amino acid with highly similar properties. This amino acid position is conserved. In addition, this alteration is predicted to be tolerated by in silico analysis. Based on the available evidence, the clinical significance of this variant remains unclear.